The following is an entry in ClinVar:

ClinVar aggregate classification (germline): Uncertain significance. Review status: criteria provided, multiple submitters, no conflicts (2 of 4 stars). 2 submissions from 2 submitters: Uncertain significance (2). Last evaluated 2024-10-09.

gnomAD v4.1: 2 of 1,602,586 alleles (0.00012%); highest among the groups gnomAD compares: Non-Finnish European, 0.00017%; no homozygotes.

Submissions (2):

Women's Health and Genetics/Laboratory Corporation of America, LabCorp
Classification: Uncertain significance. Last evaluated: 2024-10-09. Review status: criteria provided, single submitter. Criteria: LabCorp Variant Classification Summary - May 2015. Collection method: clinical testing. Allele origin: germline.
Comment: Variant summary: RAI1 c.3022C>G (p.Pro1008Ala) results in a non-conservative amino acid change in the encoded protein sequence. Four of five in-silico tools predict a damaging effect of the variant on protein function. The variant allele was found at a frequency of 4.4e-06 in 225436 control chromosomes. The available data on variant occurrences in the general population are insufficient to allow any conclusion about variant significance. To our knowledge, no occurrence of c.3022C>G in individuals affected with Smith-Magenis Syndrome and no experimental evidence demonstrating its impact on protein function have been reported. No submitters have cited clinical-significance assessments for this variant to ClinVar. Based on the evidence outlined above, the variant was classified as uncertain significance.

Labcorp Genetics (formerly Invitae), Labcorp
Classification: Uncertain significance. Last evaluated: 2024-04-05. Review status: criteria provided, single submitter. Criteria: Invitae Variant Classification Sherloc (09022015). Collection method: clinical testing. Allele origin: germline.
Comment: This sequence change replaces proline, which is neutral and non-polar, with alanine, which is neutral and non-polar, at codon 1008 of the RAI1 protein (p.Pro1008Ala). This variant is present in population databases (no rsID available, gnomAD 0.001%). This variant has not been reported in the literature in individuals affected with RAI1-related conditions. Advanced modeling of protein sequence and biophysical properties (such as structural, functional, and spatial information, amino acid conservation, physicochemical variation, residue mobility, and thermodynamic stability) performed at Invitae indicates that this missense variant is not expected to disrupt RAI1 protein function with a negative predictive value of 80%. In summary, the available evidence is currently insufficient to determine the role of this variant in disease. Therefore, it has been classified as a Variant of Uncertain Significance.

NM_030665.4(RAI1):c.3022C>G (p.Pro1008Ala)

Gene: RAI1 (retinoic acid induced 1; plus strand). Cytogenetic location: 17p11.2.
Variant type: single nucleotide variant.
Coding change: c.3022C>G on transcript NM_030665.4 (MANE Select); coding-DNA position 3022, C replaced by G.
Protein change: p.Pro1008Ala; replaces proline 1008 with alanine.
Molecular consequence: missense variant.
Genome position (GRCh38, 1-based): chr17:17,795,970, C>G. VCF-style: chr17-17795970-C-G. GRCh37 (hg19) VCF-style: chr17-17699284-C-G.
Other names: short protein forms P1008A.
Identifiers: ClinVar variation 3384822 (VCV003384822.3).
Genomic context (GRCh38, chr17:17,795,970, plus strand): 5'-AAGAAAGAGCCTGTGCCACGGGGCAAAAGCTTACGGAGCCGTCGGGTGCACCGGGGGCTG[C>G]CCGAGGCCGAGGACTCCCCATGCAGGGCACCAGTGCTGCCCAAAGACCTCTTGCTCCCTG-3'
Protein context (NP_109590.3, residues 998-1018): LRSRRVHRGL[Pro1008Ala]EAEDSPCRAP